The following is an entry in ClinVar:

NM_001555.5(IGSF1):c.3316C>T (p.Pro1106Ser)

Gene: IGSF1 (immunoglobulin superfamily member 1; minus strand). Cytogenetic location: Xq26.1.
Variant type: single nucleotide variant.
Coding change: c.3316C>T on transcript NM_001555.5 (MANE Select); coding-DNA position 3316, C replaced by T.
Protein change: p.Pro1106Ser; replaces proline 1106 with serine.
Molecular consequence: missense variant.
Genome position (GRCh38, 1-based): chrX:131,275,155, G>A on the plus strand (C>T on the coding strand, the complement: IGSF1 is on the minus strand). VCF-style: chrX-131275155-G-A. GRCh37 (hg19) VCF-style: chrX-130409129-G-A.
Other names: c.3331C>T, p.Pro1111Ser (NM_001170961.2); c.3289C>T, p.Pro1097Ser (NM_001170962.2); short protein forms P1106S, P1111S, P1097S.
Identifiers: ClinVar variation 2596829 (VCV002596829.26), dbSNP rs375099908, ClinGen allele CA10517659.

ClinVar aggregate classification (germline): Likely benign. Review status: criteria provided, multiple submitters, no conflicts (2 of 4 stars). 2 submissions from 2 submitters: Likely benign (2). Last evaluated 2023-08-22.

Conditions:
Inborn genetic diseases. Identifiers: MedGen C0950123, MeSH D030342.

Allele frequency attached by ClinVar (database versions not stated): gnomAD 0.00002; gnomAD exomes 0.00003; TOPMed 0.00005; ExAC 0.00006; ESP Exome Variant Server 0.00019.
gnomAD v4.1: 39 of 1,209,794 alleles (0.0032%); highest among the groups gnomAD compares: Non-Finnish European, 0.0041%; no homozygotes.

Submissions (2):

Ambry Genetics
Classification: Likely benign for Inborn genetic diseases. Last evaluated: 2023-08-22. Review status: criteria provided, single submitter. Criteria: Ambry Variant Classification Scheme 2023. Collection method: clinical testing. Allele origin: germline.

CeGaT Center for Human Genetics Tuebingen
Classification: Likely benign. Last evaluated: 2023-05-01. Review status: criteria provided, single submitter. Criteria: CeGaT Center For Human Genetics Tuebingen Variant Classification Criteria Version 2. Collection method: clinical testing. Allele origin: germline. Affected: yes. Observed: 1 variant allele.
Comment: IGSF1: BP4